The following is an entry in ClinVar:

NM_001042492.3(NF1):c.6922-9_6922-7del

Gene: NF1 (neurofibromin 1; plus strand). Cytogenetic location: 17q11.2.
Variant type: Microsatellite.
Coding change: c.6922-9_6922-7del on transcript NM_001042492.3 (MANE Select); 9 bases into the intron before coding-DNA position 6922 through 7 bases into the intron before coding-DNA position 6922, 3 bases deleted (CTT; older notation c.6922-9_6922-7delCTT).
Molecular consequence: intron variant.
Genome position (GRCh38, 1-based): chr17:31,340,496-31,340,498, CTT deleted; deleting any 3 consecutive bases within chr17:31,340,492-31,340,498 gives the same sequence; the c. name uses the placement nearest the transcript's 3' end. VCF-style (leftmost placement, unchanged base first): chr17-31340491-ATCT-A. GRCh37 (hg19) VCF-style: chr17-29667509-ATCT-A.
Other names: c.6859-9_6859-7del (NM_000267.4).
Identifiers: ClinVar variation 1386035 (VCV001386035.8), dbSNP rs2151561376, ClinGen allele CA2580614079.

ClinVar aggregate classification (germline): Uncertain significance (1 of 4 stars; one submission).

Conditions:
Neurofibromatosis, type 1 (NF1). Also called: VON RECKLINGHAUSEN DISEASE; Peripheral type neurofibromatosis; Neurofibromatosis, type I; NEUROFIBROMATOSIS, TYPE I, SOMATIC. Identifiers: Orphanet 636, MedGen C0027831, MONDO:0018975, OMIM 162200. Disease mechanism: loss of function.

Submission:

Labcorp Genetics (formerly Invitae), Labcorp
Classification: Uncertain significance for Neurofibromatosis, type 1. Last evaluated: 2023-06-09. Review status: criteria provided, single submitter. Criteria: Invitae Variant Classification Sherloc (09022015). Collection method: clinical testing. Allele origin: germline.
Comment: In summary, the available evidence is currently insufficient to determine the role of this variant in disease. Therefore, it has been classified as a Variant of Uncertain Significance. Algorithms developed to predict the effect of sequence changes on RNA splicing suggest that this variant may create or strengthen a splice site. ClinVar contains an entry for this variant (Variation ID: 1386035). This variant has not been reported in the literature in individuals affected with NF1-related conditions. This variant is not present in population databases (gnomAD no frequency). This sequence change falls in intron 45 of the NF1 gene. It does not directly change the encoded amino acid sequence of the NF1 protein.